The following is an entry in ClinVar:

ClinVar aggregate classification (germline): Uncertain significance. Review status: criteria provided, multiple submitters, no conflicts (2 of 4 stars). 2 submissions from 2 submitters: Uncertain significance (2). Last evaluated 2026-01-19.

Conditions:
Inborn genetic diseases. Identifiers: MedGen C0950123, MeSH D030342.
Dystonic disorder. Also called: Dystonia. Identifiers: MedGen C0013421, MONDO:0003441, HP:0001332.

Submissions (2):

Labcorp Genetics (formerly Invitae), Labcorp
Classification: Uncertain significance for Dystonic disorder. Last evaluated: 2026-01-19. Review status: criteria provided, single submitter. Criteria: Invitae Variant Classification Sherloc (09022015). Collection method: clinical testing. Allele origin: germline.
Comment: This sequence change replaces isoleucine, which is neutral and non-polar, with threonine, which is neutral and polar, at codon 274 of the GNAL protein (p.Ile274Thr). The frequency data for this variant in the population databases is considered unreliable, as metrics indicate poor data quality at this position in the gnomAD database. This variant has not been reported in the literature in individuals affected with GNAL-related conditions. ClinVar contains an entry for this variant (Variation ID: 3520911). Invitae Evidence Modeling of protein sequence and biophysical properties (such as structural, functional, and spatial information, amino acid conservation, physicochemical variation, residue mobility, and thermodynamic stability) indicates that this missense variant is not expected to disrupt GNAL protein function with a negative predictive value of 80%. In summary, the available evidence is currently insufficient to determine the role of this variant in disease. Therefore, it has been classified as a Variant of Uncertain Significance.

Ambry Genetics
Classification: Uncertain significance for Inborn genetic diseases. Last evaluated: 2024-10-04. Review status: criteria provided, single submitter. Criteria: Ambry Variant Classification Scheme 2023. Collection method: clinical testing. Allele origin: germline.

NM_182978.4(GNAL):c.1052T>C (p.Ile351Thr)

Gene: GNAL (G protein subunit alpha L; plus strand). Cytogenetic location: 18p11.21.
Variant type: single nucleotide variant.
Coding change: c.1052T>C on transcript NM_182978.4 (MANE Select); coding-DNA position 1052, T replaced by C.
Protein change: p.Ile351Thr; replaces isoleucine 351 with threonine.
Molecular consequence: missense variant.
Genome position (GRCh38, 1-based): chr18:11,872,288, T>C. VCF-style: chr18-11872288-T-C. GRCh37 (hg19) VCF-style: chr18-11872287-T-C.
Other names: c.821T>C, p.Ile274Thr (NM_001142339.3, NM_001261443.2, NM_001369387.1); c.200T>C, p.Ile67Thr (NM_001261444.2); short protein forms I274T, I351T, I67T.
Identifiers: ClinVar variation 3520911 (VCV003520911.2).